The following is an entry in ClinVar:

ClinVar aggregate classification (germline): Uncertain significance (1 of 4 stars; one submission).

Submission:

Labcorp Genetics (formerly Invitae), Labcorp
Classification: Uncertain significance. Last evaluated: 2025-09-09. Review status: criteria provided, single submitter. Criteria: Invitae Variant Classification Sherloc (09022015). Collection method: clinical testing. Allele origin: germline.
Comment: This sequence change replaces aspartic acid, which is acidic and polar, with asparagine, which is neutral and polar, at codon 35 of the AVP protein (p.Asp35Asn). This variant is not present in population databases (gnomAD no frequency). This variant has not been reported in the literature in individuals affected with AVP-related conditions. An algorithm developed to predict the effect of missense changes on protein structure and function (PolyPhen-2) suggests that this variant is likely to be tolerated. In summary, the available evidence is currently insufficient to determine the role of this variant in disease. Therefore, it has been classified as a Variant of Uncertain Significance.

NM_000490.5(AVP):c.103G>A (p.Asp35Asn)

Gene: AVP (arginine vasopressin; minus strand). Cytogenetic location: 20p13.
Variant type: single nucleotide variant.
Coding change: c.103G>A on transcript NM_000490.5 (MANE Select); coding-DNA position 103, G replaced by A.
Protein change: p.Asp35Asn; replaces aspartic acid 35 with asparagine.
Molecular consequence: missense variant.
Genome position (GRCh38, 1-based): chr20:3,084,572, C>T on the plus strand (G>A on the coding strand, the complement: AVP is on the minus strand). VCF-style: chr20-3084572-C-T. GRCh37 (hg19) VCF-style: chr20-3065218-C-T.
Other names: short protein forms D35N.
Identifiers: ClinVar variation 4695623 (VCV004695623.1).